The following is an entry in ClinVar:

ClinVar aggregate classification (germline): Uncertain significance (1 of 4 stars; one submission).

Submission:

GeneDx
Classification: Uncertain significance. Last evaluated: 2023-02-13. Review status: criteria provided, single submitter. Criteria: GeneDx Variant Classification Process June 2021. Collection method: clinical testing. Allele origin: germline. Affected: yes.
Comment: Has not been previously published as pathogenic or benign to our knowledge; Not observed at significant frequency in large population cohorts (gnomAD); Nonsense variant predicted to result in protein truncation or nonsense mediated decay in a gene for which loss-of-function is not a known mechanism of disease

NM_001035.3(RYR2):c.13773C>G (p.Tyr4591Ter)

Gene: RYR2 (ryanodine receptor 2; plus strand). Cytogenetic location: 1q43.
Variant type: single nucleotide variant.
Coding change: c.13773C>G on transcript NM_001035.3 (MANE Select); coding-DNA position 13773, C replaced by G.
Protein change: p.Tyr4591Ter; replaces tyrosine 4591 with a stop codon.
Molecular consequence: nonsense.
Genome position (GRCh38, 1-based): chr1:237,792,314, C>G. VCF-style: chr1-237792314-C-G. GRCh37 (hg19) VCF-style: chr1-237955614-C-G.
Other names: short protein forms Y4591*.
Identifiers: ClinVar variation 2430604 (VCV002430604.1), dbSNP rs2527922340, ClinGen allele CA345417709.